The following is an entry in ClinVar:

NM_001281775.3(ZMYND8):c.990A>G (p.Gln330=)

Gene: ZMYND8 (zinc finger MYND-type containing 8; minus strand). Cytogenetic location: 20q13.12.
Variant type: single nucleotide variant.
Coding change: c.990A>G on transcript NM_001281775.3 (MANE Select); coding-DNA position 990, A replaced by G.
Protein change: p.Gln330=; no amino-acid change (glutamine 330 retained).
Molecular consequence: synonymous variant.
Genome position (GRCh38, 1-based): chr20:47,282,110, T>C on the plus strand (A>G on the coding strand, the complement: ZMYND8 is on the minus strand). VCF-style: chr20-47282110-T-C. GRCh37 (hg19) VCF-style: chr20-45910854-T-C.
Other names: c.990A>G, p.Gln330= (NM_001281776.3, NM_001281783.3, NM_012408.6 and 1 more transcripts); c.915A>G, p.Gln305= (NM_001281777.3, NM_001281778.3, NM_001281781.3 and 4 more transcripts); c.186A>G, p.Gln62= (NM_001281779.3, NM_001281780.3); c.1011A>G, p.Gln337= (NM_001363714.1); c.930A>G, p.Gln310= (NM_001363741.2, NM_001281772.3, NM_001281773.3 and 1 more transcripts).
Identifiers: ClinVar variation 712278 (VCV000712278.5), dbSNP rs75901748, ClinGen allele CA9893755.
Genomic context (GRCh38, chr20:47,282,110, plus strand): 5'-GTATCAAAGTTCAGTGAAAGCTACATGTTCCAAGCCTGTTATTAACTCCCACCTGTCATG[T>C]TGTCCAAAGAATCGGGCATCGACCTGCCCGTCTTTATCCCTTAGAGCTTTTGCAGGCCAG-3'
Protein context (NP_001268704.1, residues 320-340): DGQVDARFFG[Gln330=]HDRAWVPINN

ClinVar aggregate classification (germline): Benign/Likely benign. Review status: criteria provided, multiple submitters, no conflicts (2 of 4 stars). 3 submissions from 3 submitters: Benign (2); Likely benign (1). Last evaluated 2026-09-01.

Allele frequency attached by ClinVar (database versions not stated): gnomAD exomes 0.00020 and 0.00053; ExAC 0.00061; 1000 Genomes Project 0.00200; 1000 Genomes Project 30x 0.00203; gnomAD 0.00228 and 0.00235; ESP Exome Variant Server 0.00231; TOPMed 0.00249.
gnomAD v4.1: 654 of 1,613,284 alleles (0.041%); highest among the groups gnomAD compares: African/African-American, 0.77%; 2 homozygotes.

Submissions (3):

CeGaT Center for Human Genetics Tuebingen
Classification: Likely benign. Last evaluated: 2026-09-01. Review status: criteria provided, single submitter. Criteria: CeGaT Center For Human Genetics Tuebingen Variant Classification Criteria Version 2. Collection method: clinical testing. Allele origin: germline. Affected: yes. Observed: 1 variant allele.
Comment: ZMYND8: BP4, BP7

Labcorp Genetics (formerly Invitae), Labcorp
Classification: Benign. Last evaluated: 2018-07-13. Review status: criteria provided, single submitter. Criteria: Invitae Variant Classification Sherloc (09022015). Collection method: clinical testing. Allele origin: germline.

Breakthrough Genomics
Classification: Benign. Review status: criteria provided, single submitter. Criteria: ACMG Guidelines, 2015. Collection method: not provided. Allele origin: germline. Inheritance: Unknown mechanism. Affected: yes.